The following is an entry in ClinVar:

NM_001903.5(CTNNA1):c.1295A>G (p.Glu432Gly)

Gene: CTNNA1 (catenin alpha 1; plus strand). Cytogenetic location: 5q31.2.
Variant type: single nucleotide variant.
Coding change: c.1295A>G on transcript NM_001903.5 (MANE Select); coding-DNA position 1295, A replaced by G.
Protein change: p.Glu432Gly; replaces glutamic acid 432 with glycine.
Molecular consequence: missense variant. On other transcripts: 5 prime UTR variant (5), intron variant (2).
Genome position (GRCh38, 1-based): chr5:138,887,641, A>G. VCF-style: chr5-138887641-A-G. GRCh37 (hg19) VCF-style: chr5-138223330-A-G.
Other names: c.1295A>G, p.Glu432Gly (NM_001290307.3, NM_001323982.2, NM_001323983.1 and 3 more transcripts); c.986A>G, p.Glu329Gly (NM_001290309.3); c.926A>G, p.Glu309Gly (NM_001290310.3); c.185A>G, p.Glu62Gly (NM_001290312.1, NM_001323987.1, NM_001323988.1 and 18 more transcripts); c.-213A>G (NM_001324006.1, NM_001324007.1, NM_001324008.1 and 1 more transcripts); c.-88A>G (NM_001324013.1); c.-58+12044A>G (NM_001324012.1); c.-61+12044A>G (NM_001324010.1); short protein forms E309G, E329G, E432G, E62G.
Identifiers: ClinVar variation 1017519 (VCV001017519.8), dbSNP rs1754366213, ClinGen allele CA361133274.

ClinVar aggregate classification (germline): Uncertain significance (1 of 4 stars; one submission).

Submission:

Labcorp Genetics (formerly Invitae), Labcorp
Classification: Uncertain significance. Last evaluated: 2020-10-10. Review status: criteria provided, single submitter. Criteria: Invitae Variant Classification Sherloc (09022015). Collection method: clinical testing. Allele origin: germline.
Comment: This variant is not present in population databases (ExAC no frequency). In summary, the available evidence is currently insufficient to determine the role of this variant in disease. Therefore, it has been classified as a Variant of Uncertain Significance. Algorithms developed to predict the effect of missense changes on protein structure and function are either unavailable or do not agree on the potential impact of this missense change (SIFT: "Deleterious"; PolyPhen-2: "Probably Damaging"; Align-GVGD: "Class C0"). This variant has not been reported in the literature in individuals with CTNNA1-related conditions. This sequence change replaces glutamic acid with glycine at codon 432 of the CTNNA1 protein (p.Glu432Gly). The glutamic acid residue is highly conserved and there is a moderate physicochemical difference between glutamic acid and glycine.